The following is an entry in ClinVar:

NM_031935.3(HMCN1):c.1004T>A (p.Val335Asp)

Gene: HMCN1 (hemicentin 1; plus strand). Cytogenetic location: 1q31.1.
Variant type: single nucleotide variant.
Coding change: c.1004T>A on transcript NM_031935.3 (MANE Select); coding-DNA position 1004, T replaced by A.
Protein change: p.Val335Asp; replaces valine 335 with aspartic acid.
Molecular consequence: missense variant.
Genome position (GRCh38, 1-based): chr1:185,922,482, T>A. VCF-style: chr1-185922482-T-A. GRCh37 (hg19) VCF-style: chr1-185891614-T-A.
Other names: short protein forms V335D.
Identifiers: ClinVar variation 2086158 (VCV002086158.6), dbSNP rs138572318, ClinGen allele CA1291005.

ClinVar aggregate classification (germline): Uncertain significance. Review status: criteria provided, multiple submitters, no conflicts (2 of 4 stars). 3 submissions from 3 submitters: Uncertain significance (3). Last evaluated 2025-02-13.

Conditions:
Age related macular degeneration 1 (ARMD1). Also called: MACULOPATHY, AGE-RELATED, 1. Identifiers: MedGen C1864205, MONDO:0011285, OMIM 603075.

Allele frequency attached by ClinVar (database versions not stated): gnomAD 0.00001; gnomAD exomes 0.00001; ExAC 0.00002; TOPMed 0.00002.
gnomAD v4.1: 18 of 1,613,056 alleles (0.0011%); highest among the groups gnomAD compares: African/African-American, 0.012%; no homozygotes.

Submissions (3):

Labcorp Genetics (formerly Invitae), Labcorp
Classification: Uncertain significance. Last evaluated: 2025-02-13. Review status: criteria provided, single submitter. Criteria: Invitae Variant Classification Sherloc (09022015). Collection method: clinical testing. Allele origin: germline.
Comment: This sequence change replaces valine, which is neutral and non-polar, with aspartic acid, which is acidic and polar, at codon 335 of the HMCN1 protein (p.Val335Asp). This variant is present in population databases (rs138572318, gnomAD 0.006%). This variant has not been reported in the literature in individuals affected with HMCN1-related conditions. ClinVar contains an entry for this variant (Variation ID: 2086158). An algorithm developed to predict the effect of missense changes on protein structure and function (PolyPhen-2) suggests that this variant is likely to be disruptive. In summary, the available evidence is currently insufficient to determine the role of this variant in disease. Therefore, it has been classified as a Variant of Uncertain Significance.

Genome-Nilou Lab
Classification: Uncertain significance for Age related macular degeneration 1. Last evaluated: 2023-04-11. Review status: criteria provided, single submitter. Criteria: ACMG Guidelines, 2015. Collection method: clinical testing. Allele origin: germline. Affected: no.

Ambry Genetics
Classification: Uncertain significance. Last evaluated: 2022-01-26. Review status: criteria provided, single submitter. Criteria: Ambry Variant Classification Scheme 2023. Collection method: clinical testing. Allele origin: germline.